The following is an entry in ClinVar:

ClinVar aggregate classification (germline): Pathogenic. Review status: criteria provided, multiple submitters, no conflicts (2 of 4 stars). 3 submissions from 3 submitters: Pathogenic (2). 1 of the submissions does not count toward it. Last evaluated 2021-03-07.

Conditions:
Gastric cancer. Also called: Malignant tumor of stomach; Stomach cancer. Identifiers: MedGen C0024623, MeSH D013274, MONDO:0001056, OMIM 613659, HP:0012126.
Hereditary cancer-predisposing syndrome. Also called: Hereditary neoplastic syndrome; Tumor predisposition; Hereditary Cancer Syndrome; Neoplastic Syndromes, Hereditary. Identifiers: Orphanet 140162, MedGen C0027672, MeSH D009386, MONDO:0015356.
Hereditary nonpolyposis colorectal neoplasms. Identifiers: MedGen C0009405, MeSH D003123.

Submissions (3):

Labcorp Genetics (formerly Invitae), Labcorp
Classification: Pathogenic for Hereditary nonpolyposis colorectal neoplasms. Last evaluated: 2021-03-07. Review status: criteria provided, single submitter. Criteria: Invitae Variant Classification Sherloc (09022015). Collection method: clinical testing. Allele origin: germline.
Comment: This variant is not present in population databases (ExAC no frequency). For these reasons, this variant has been classified as Pathogenic. This variant has not been reported in the literature in individuals with MSH6-related conditions. This sequence change creates a premature translational stop signal (p.Asn1065Ilefs*13) in the MSH6 gene. It is expected to result in an absent or disrupted protein product. Loss-of-function variants in MSH6 are known to be pathogenic (PMID: 18269114, 24362816).

Ambry Genetics
Classification: Pathogenic for Hereditary cancer-predisposing syndrome. Last evaluated: 2020-10-26. Review status: criteria provided, single submitter. Criteria: Ambry Variant Classification Scheme 2023. Collection method: clinical testing. Allele origin: germline.
Comment: The c.3194_3197delACTA pathogenic mutation, located in coding exon 5 of the MSH6 gene, results from a deletion of 4 nucleotides at nucleotide positions 3194 to 3197, causing a translational frameshift with a predicted alternate stop codon (p.N1065Ifs*13). This alteration is expected to result in loss of function by premature protein truncation or nonsense-mediated mRNA decay. As such, this alteration is interpreted as a disease-causing mutation.

Laboratory for Genotyping Development, RIKEN
Classification: Pathogenic for Gastric cancer. Last evaluated: 2021-07-01. Review status: no assertion criteria provided. Collection method: research. Allele origin: germline. Not counted in ClinVar's aggregate classification.

Literature cited by the submitters: PubMed 18269114 (cited by Labcorp Genetics (formerly Invitae), Labcorp); PubMed 24362816 (cited by Labcorp Genetics (formerly Invitae), Labcorp); PubMed 36988593 (cited by Laboratory for Genotyping Development, RIKEN).

NM_000179.3(MSH6):c.3194_3197del (p.Asn1065fs)

Gene: MSH6 (mutS homolog 6; plus strand). Cytogenetic location: 2p16.3.
Variant type: Deletion.
Coding change: c.3194_3197del on transcript NM_000179.3 (MANE Select); coding-DNA positions 3194 to 3197, 4 bases deleted (ACTA; older notation c.3194_3197delACTA).
Protein change: p.Asn1065fs; shifts the reading frame from asparagine 1065.
Molecular consequence: frameshift variant.
Genome position (GRCh38, 1-based): chr2:47,803,441-47,803,444, ACTA deleted; deleting any 4 consecutive bases within chr2:47,803,438-47,803,444 gives the same sequence; the c. name uses the placement nearest the transcript's 3' end. VCF-style (leftmost placement, unchanged base first): chr2-47803437-GCTAA-G. GRCh37 (hg19) VCF-style: chr2-48030576-GCTAA-G.
Other names: c.2804_2807del, p.Asn935fs (NM_001281492.2); c.2288_2291del, p.Asn763fs (NM_001281493.2, NM_001281494.2); short protein forms N763fs, N935fs, N1065fs.
Identifiers: ClinVar variation 1456394 (VCV001456394.24), dbSNP rs2104472237, ClinGen allele CA2573134723.